The following is an entry in ClinVar:

ClinVar aggregate classification (germline): Conflicting classifications of pathogenicity. Review status: criteria provided, conflicting classifications (1 of 4 stars). 2 submissions from 2 submitters: Uncertain significance (1); Likely benign (1). Last evaluated 2025-08-03.

Conditions:
Inborn genetic diseases. Identifiers: MedGen C0950123, MeSH D030342.
Familial sleep-related hypermotor epilepsy. Also called: Autosomal Dominant Sleep-Related Hypermotor (Hyperkinetic) Epilepsy. Identifiers: Orphanet 98784, MedGen C3696898, MONDO:0000030.

Allele frequency attached by ClinVar (database versions not stated): gnomAD exomes 0.00002; ExAC 0.00003; gnomAD 0.00003; TOPMed 0.00004; ESP Exome Variant Server 0.00008.

Submissions (2):

Labcorp Genetics (formerly Invitae), Labcorp
Classification: Uncertain significance. Last evaluated: 2025-08-03. Review status: criteria provided, single submitter. Criteria: Invitae Variant Classification Sherloc (09022015). Collection method: clinical testing. Allele origin: germline.
Comment: This sequence change replaces arginine, which is basic and polar, with cysteine, which is neutral and slightly polar, at codon 112 of the CHRNA4 protein (p.Arg112Cys). This variant is present in population databases (rs375654386, gnomAD 0.006%). This missense change has been observed in individual(s) with clinical features of CHRNA4-related conditions (internal data). ClinVar contains an entry for this variant (Variation ID: 1025892). Invitae Evidence Modeling of protein sequence and biophysical properties (such as structural, functional, and spatial information, amino acid conservation, physicochemical variation, residue mobility, and thermodynamic stability) indicates that this missense variant is expected to disrupt CHRNA4 protein function with a positive predictive value of 80%. In summary, the available evidence is currently insufficient to determine the role of this variant in disease. Therefore, it has been classified as a Variant of Uncertain Significance.

Ambry Genetics
Classification: Likely benign for Inborn genetic diseases. Last evaluated: 2024-07-16. Review status: criteria provided, single submitter. Criteria: Ambry Variant Classification Scheme 2023. Collection method: clinical testing. Allele origin: germline.

NM_000744.7(CHRNA4):c.334C>T (p.Arg112Cys)

Genes: CHRNA4 (cholinergic receptor nicotinic alpha 4 subunit; minus strand), LOC126863087 (P300/CBP strongly-dependent group 1 enhancer GRCh37_chr20:61986832-61988031; plus strand). Cytogenetic location: 20q13.33.
Variant type: single nucleotide variant.
Coding change: c.334C>T on transcript NM_000744.7 (MANE Select); coding-DNA position 334, C replaced by T.
Protein change: p.Arg112Cys; replaces arginine 112 with cysteine.
Molecular consequence: missense variant. On other transcripts: 5 prime UTR variant (1), non-coding transcript variant (1).
Genome position (GRCh38, 1-based): chr20:63,356,024, G>A on the plus strand (C>T on the coding strand, the complement: CHRNA4 is on the minus strand). VCF-style: chr20-63356024-G-A. GRCh37 (hg19) VCF-style: chr20-61987376-G-A.
Other names: c.-213C>T (NM_001256573.2); c.334C>T (NM_000744.5); short protein forms R112C.
Identifiers: ClinVar variation 1025892 (VCV001025892.10), dbSNP rs375654386, ClinGen allele CA9957865.
Genomic context (GRCh38, chr20:63,356,024, plus strand): 5'-AGAGGACTCACTTGTTGTAGAGGACGATGTCCGGCCGCCAGATGAGCTCGGAGGGGATGC[G>A]GATGGAGGTGACATTCTCATAGTCAGCTGGGTCCCAGCGCAGCTTGTAGTCGTGCCACTC-3'
Protein context (NP_000735.1, residues 102-122): PADYENVTSI[Arg112Cys]IPSELIWRPD